The following is an entry in ClinVar:

NM_000540.3(RYR1):c.14376C>T (p.Tyr4792=)

Gene: RYR1 (ryanodine receptor 1; plus strand). Cytogenetic location: 19q13.2.
Variant type: single nucleotide variant.
Coding change: c.14376C>T on transcript NM_000540.3 (MANE Select); coding-DNA position 14376, C replaced by T.
Protein change: p.Tyr4792=; no amino-acid change (tyrosine 4792 retained).
Molecular consequence: synonymous variant.
Genome position (GRCh38, 1-based): chr19:38,579,993, C>T. VCF-style: chr19-38579993-C-T. GRCh37 (hg19) VCF-style: chr19-39070633-C-T.
Other names: c.14361C>T, p.Tyr4787= (NM_001042723.2).
Identifiers: ClinVar variation 3049115 (VCV003049115.2), dbSNP rs759400769, ClinGen allele CA061202.
Genomic context (GRCh38, chr19:38,579,993, plus strand): 5'-CTCGTGTGTCCCTGCCTTCCCCCTGACCCCTGGCCCTGTGTGCCCACAGTCCTTCCTGTA[C>T]CTGGGCTGGTATATGGTGATGTCCCTCTTGGGACACTACAACAACTTCTTCTTTGCTGCC-3'
Protein context (NP_000531.2, residues 4782-4802): GVIFTDNSFL[Tyr4792=]LGWYMVMSLL

ClinVar aggregate classification (germline): Likely benign (0 of 4 stars; one submission).

Conditions:
RYR1-related disorder. Also called: RYR1-related condition; RYR1-related disorders. Identifiers: MedGen CN239331.

Allele frequency attached by ClinVar (database versions not stated): ExAC 0.00001.

Submission:

PreventionGenetics, part of Exact Sciences
Classification: Likely benign for RYR1-related condition. Last evaluated: 2022-02-27. Review status: no assertion criteria provided. Collection method: clinical testing. Allele origin: germline.
Comment: This variant is classified as likely benign based on ACMG/AMP sequence variant interpretation guidelines (Richards et al. 2015 PMID: 25741868, with internal and published modifications).